The following is an entry in ClinVar:

GRCh38/hg38 1p36.32-36.31(chr1:2888463-6085623)x1

Genes: ACTRT2 (actin related protein T2; plus strand), AJAP1 (adherens junctions associated protein 1; plus strand), ARHGEF16 (Rho guanine nucleotide exchange factor 16; plus strand), C1orf174 (chromosome 1 open reading frame 174; minus strand), CCDC27 (coiled-coil domain containing 27; plus strand) and 100 more. Cytogenetic location: 1p36.32-36.31.
Variant type: copy number loss.
Change: copy number 1 (one copy instead of two) of chr1:2,888,463-6,085,623 (3.20 Mb, GRCh38 coordinates, 1-based), cytogenetic band 1p36.32-36.31.
Identifiers: ClinVar variation 4852477 (VCV004852477.1).

ClinVar aggregate classification (germline): Pathogenic (1 of 4 stars; one submission).

Conditions:
West syndrome. Also called: Infantile epileptic spasms syndrome. Identifiers: Orphanet 3451, Orphanet 697160, MedGen C0037769, MONDO:0018097. Disease mechanism: loss of function.

Submission:

Unidad de Genómica Garrahan, Hospital de Pediatría Garrahan
Classification: Pathogenic for West syndrome. Last evaluated: 2024-01-01. Review status: criteria provided, single submitter. Criteria: ACMG/ClinGen CNV Guidelines, 2019. Collection method: clinical testing. Allele origin: germline. Inheritance: Autosomal dominant inheritance. Affected: yes. Observed: 1 variant allele.
Comment: Detected by a-CGH (arr[GRCh38] 1p36.32p36.31(2888463_6085623)x1, 3.2 Mb, involving PRDM16; 2024). The a-CGH was prompted by a prior NGS gene panel finding (2023) of a heterozygous deletion. a-CGH then characterized that deletion as arr[GRCh38] 1p36.13(16958003_19563465)x1 (2.60 Mb, involving ATP13A2 and EMC1) and additionally revealed the present deletion. These were determined to be two contiguous but non-overlapping heterozygous deletions within region 1p36, consistent with chromosome 1p36 deletion syndrome.